The following is an entry in ClinVar:

NM_001040142.2(SCN2A):c.647T>G (p.Leu216Trp)

Gene: SCN2A (sodium voltage-gated channel alpha subunit 2; plus strand). Cytogenetic location: 2q24.3.
Variant type: single nucleotide variant.
Coding change: c.647T>G on transcript NM_001040142.2 (MANE Select); coding-DNA position 647, T replaced by G.
Protein change: p.Leu216Trp; replaces leucine 216 with tryptophan.
Molecular consequence: missense variant. On other transcripts: intron variant (2).
Genome position (GRCh38, 1-based): chr2:165,309,393, T>G. VCF-style: chr2-165309393-T-G. GRCh37 (hg19) VCF-style: chr2-166165903-T-G.
Other names: p.L216W:TTG>TGG; c.647T>G, p.Leu216Trp (NM_001371247.1, NM_021007.3); c.697+137T>G (NM_001040143.2, NM_001371246.1); short protein forms L216W.
Identifiers: ClinVar variation 207088 (VCV000207088.11), dbSNP rs796053203, ClinGen allele CA318208.

ClinVar aggregate classification (germline): Pathogenic/Likely pathogenic. Review status: criteria provided, multiple submitters, no conflicts (2 of 4 stars). 2 submissions from 2 submitters: Pathogenic (1); Likely pathogenic (1). Last evaluated 2022-02-14.

Conditions:
Seizures, benign familial infantile, 3 (BFIS3). Also called: CONVULSIONS, BENIGN FAMILIAL INFANTILE, 3; Familial neonatal seizures. Identifiers: Orphanet 140927, Orphanet 306, MedGen C1843140, MONDO:0011904, OMIM 607745.
Developmental and epileptic encephalopathy, 11 (DEE11). Also called: Early infantile epileptic encephalopathy 11. Identifiers: Orphanet 1934, MedGen C3150987, MONDO:0013388, OMIM 613721.

Submissions (2):

Labcorp Genetics (formerly Invitae), Labcorp
Classification: Pathogenic for Seizures, benign familial infantile, 3; Developmental and epileptic encephalopathy, 11. Last evaluated: 2022-02-14. Review status: criteria provided, single submitter. Criteria: Invitae Variant Classification Sherloc (09022015). Collection method: clinical testing. Allele origin: germline.
Comment: ClinVar contains an entry for this variant (Variation ID: 207088). This missense change has been observed in individual(s) with SCN2A-related conditions (PMID: 30109124; Invitae). In at least one individual the variant was observed to be de novo. This variant is not present in population databases (gnomAD no frequency). This sequence change replaces leucine, which is neutral and non-polar, with tryptophan, which is neutral and slightly polar, at codon 216 of the SCN2A protein (p.Leu216Trp). Algorithms developed to predict the effect of missense changes on protein structure and function are either unavailable or do not agree on the potential impact of this missense change (SIFT: "Deleterious"; PolyPhen-2: "Probably Damaging"; Align-GVGD: "Class C0"). For these reasons, this variant has been classified as Pathogenic.

GeneDx
Classification: Likely pathogenic. Last evaluated: 2012-02-23. Review status: criteria provided, single submitter. Criteria: GeneDx Variant Classification (06012015). Collection method: clinical testing. Allele origin: germline. Affected: yes.
Comment: The Leu216Trp missense change has not been published as a mutation, nor has it been reported as a benign polymorphism to our knowledge. The NHLBI ESP Exome Variant Project has not identified Leu216Trp in approximately 5,000 individuals of European or African American ethnicity, indicating that it is not a common benign variant in these populations. Although both Leucine and Tryptophan are non-polar, Tryptophan is a larger residue with an aromatic side chain. The Leu216Trp substitution alters a highly conserved position in the S4 segment of the first transmembrane domain of the protein, and a different mutation in this same segment has been published in association with benign familial neonatal-infantile seizures (BFNIS) (Berkovic et al., 2004). Additionally, multiple in silico algorithms predict that Leu216Trp is damaging to protein structure/function. Therefore, Leu216Trp is a strong candidate for a disease-causing mutation, although the possibility that it is a benign variant cannot be excluded at present. The variant is found in INFANT-EPI panel(s).

Literature cited by the submitters: PubMed 30109124 (cited by Labcorp Genetics (formerly Invitae), Labcorp).